The following is an entry in ClinVar:

NM_000416.3(IFNGR1):c.804T>G (p.Phe268Leu)

Gene: IFNGR1 (interferon gamma receptor 1; minus strand). Cytogenetic location: 6q23.3.
Variant type: single nucleotide variant.
Coding change: c.804T>G on transcript NM_000416.3 (MANE Select); coding-DNA position 804, T replaced by G.
Protein change: p.Phe268Leu; replaces phenylalanine 268 with leucine.
Molecular consequence: missense variant.
Genome position (GRCh38, 1-based): chr6:137,200,938, A>C on the plus strand (T>G on the coding strand, the complement: IFNGR1 is on the minus strand). VCF-style: chr6-137200938-A-C. GRCh37 (hg19) VCF-style: chr6-137522075-A-C.
Other names: c.774T>G, p.Phe258Leu (NM_001363526.1); c.681T>G, p.Phe227Leu (NM_001363527.1); short protein forms F268L, F227L, F258L.
Identifiers: ClinVar variation 1524225 (VCV001524225.6), dbSNP rs2114462244, ClinGen allele CA365774003.

ClinVar aggregate classification (germline): Uncertain significance (1 of 4 stars; one submission).

Conditions:
Disseminated atypical mycobacterial infection. Identifiers: MedGen C0694566.

Allele frequency attached by ClinVar (database versions not stated): gnomAD exomes below 0.00001.

Submission:

Labcorp Genetics (formerly Invitae), Labcorp
Classification: Uncertain significance for Disseminated atypical mycobacterial infection. Last evaluated: 2021-08-04. Review status: criteria provided, single submitter. Criteria: Invitae Variant Classification Sherloc (09022015). Collection method: clinical testing. Allele origin: germline.
Comment: In summary, the available evidence is currently insufficient to determine the role of this variant in disease. Therefore, it has been classified as a Variant of Uncertain Significance. Algorithms developed to predict the effect of missense changes on protein structure and function (SIFT, PolyPhen-2, Align-GVGD) all suggest that this variant is likely to be tolerated. This variant has not been reported in the literature in individuals affected with IFNGR1-related conditions. This variant is not present in population databases (ExAC no frequency). This sequence change replaces phenylalanine with leucine at codon 268 of the IFNGR1 protein (p.Phe268Leu). The phenylalanine residue is weakly conserved and there is a small physicochemical difference between phenylalanine and leucine.